The following is an entry in ClinVar:

ClinVar aggregate classification (germline): Uncertain significance (1 of 4 stars; one submission).

Conditions:
Neuropathy, hereditary sensory, type 1F. Also called: Hereditary sensory neuropathy type IF; HSN IF. Identifiers: Orphanet 36386, MedGen C3810194, MONDO:0014286, OMIM 615632.

gnomAD v4.1: 1 of 1,614,164 alleles (0.000062%); highest among the groups gnomAD compares: African/African-American, 0.0013%; no homozygotes.

Submission:

Labcorp Genetics (formerly Invitae), Labcorp
Classification: Uncertain significance for Neuropathy, hereditary sensory, type 1F. Last evaluated: 2025-12-01. Review status: criteria provided, single submitter. Criteria: Invitae Variant Classification Sherloc (09022015). Collection method: clinical testing. Allele origin: germline.
Comment: This sequence change replaces glycine, which is neutral and non-polar, with valine, which is neutral and non-polar, at codon 488 of the ATL3 protein (p.Gly488Val). This variant is not present in population databases (gnomAD no frequency). This variant has not been reported in the literature in individuals affected with ATL3-related conditions. Invitae Evidence Modeling of protein sequence and biophysical properties (such as structural, functional, and spatial information, amino acid conservation, physicochemical variation, residue mobility, and thermodynamic stability) indicates that this missense variant is not expected to disrupt ATL3 protein function with a negative predictive value of 80%. In summary, the available evidence is currently insufficient to determine the role of this variant in disease. Therefore, it has been classified as a Variant of Uncertain Significance.

NM_015459.5(ATL3):c.1463G>T (p.Gly488Val)

Genes: ATL3 (atlastin GTPase 3; minus strand), LNCROPM (lncRNA regulator of PLAAT3 mediated phospholipid metabolism; plus strand). Cytogenetic location: 11q13.1.
Variant type: single nucleotide variant.
Coding change: c.1463G>T on transcript NM_015459.5 (MANE Select); coding-DNA position 1463, G replaced by T.
Protein change: p.Gly488Val; replaces glycine 488 with valine.
Molecular consequence: missense variant.
Genome position (GRCh38, 1-based): chr11:63,631,116, C>A on the plus strand (G>T on the coding strand, the complement: ATL3 is on the minus strand). VCF-style: chr11-63631116-C-A. GRCh37 (hg19) VCF-style: chr11-63398588-C-A.
Other names: c.1409G>T, p.Gly470Val (NM_001290048.2); c.1412G>T, p.Gly471Val (NM_001440716.1); c.1406G>T, p.Gly469Val (NM_001440717.1); c.1391G>T, p.Gly464Val (NM_001440718.1); c.1358G>T, p.Gly453Val (NM_001440719.1); c.1352G>T, p.Gly451Val (NM_001440720.1); c.1307G>T, p.Gly436Val (NM_001440721.1); c.1250G>T, p.Gly417Val (NM_001440722.1); short protein forms G469V, G417V, G464V, G451V, G453V, G470V, G488V, G436V.
Identifiers: ClinVar variation 4771582 (VCV004771582.1).
Genomic context (GRCh38, chr11:63,631,116, plus strand): 5'-GCGGCACCAAAATCAATAGCTCCGCCCAGCTCACGATATTGACCAGAATACCTGATGTAG[C>A]CCCAGGTGAGGAGTGCTATTAACAGTAGTCCAACCATACAGTTGAACAACTGGGCTACAA-3'
Protein context (NP_056274.3, residues 478-498): GLLLIALLTW[Gly488Val]YIRYSGQYRE